The following is an entry in ClinVar:

NM_004531.5(MOCS2):c.367del (p.His123fs)

Gene: MOCS2 (molybdenum cofactor synthesis 2; minus strand). Cytogenetic location: 5q11.2.
Variant type: Deletion.
Coding change: c.367del on transcript NM_004531.5 (MANE Select); coding-DNA position 367, one base deleted (C; older notation c.367delC).
Protein change: p.His123fs; shifts the reading frame from histidine 123.
Molecular consequence: frameshift variant. On other transcripts: 3 prime UTR variant (1).
Genome position (GRCh38, 1-based): chr5:53,101,369, G deleted on the plus strand (C on the coding strand, the reverse complement: MOCS2 is on the minus strand); the first of 2 consecutive G bases (chr5:53,101,369-53,101,370); deleting either gives the same sequence. VCF-style (leftmost placement, unchanged base first): chr5-53101368-TG-T. GRCh37 (hg19) VCF-style: chr5-52397198-TG-T.
Other names: c.*287del (NM_176806.4); c.366delC, p.His123Ilefs (NM_183418.1); short protein forms H123fs.
Identifiers: ClinVar variation 2108181 (VCV002108181.5), dbSNP rs2478598205, ClinGen allele CA2580073342.

ClinVar aggregate classification (germline): Pathogenic. Review status: criteria provided, multiple submitters, no conflicts (2 of 4 stars). 2 submissions from 2 submitters: Pathogenic (2). Last evaluated 2025-11-11.

Submissions (2):

Dasa
Classification: Pathogenic. Last evaluated: 2025-11-11. Review status: criteria provided, single submitter. Criteria: DASA Assertion Criteria. Collection method: clinical testing. Allele origin: germline.
Comment: NM_004531.5(MOCS2):c.367del (p.His123Ilefs*13) introduces a premature termination codon predicted to result in loss of normal protein function. Loss-of-function is an established mechanism of disease for this gene. This variant has been observed in affected individuals with related phenotype in a genotype context consistent with recessive disease. The variant is present at low frequency in population datasets. Based on the available data, this variant is classified as pathogenic.

Labcorp Genetics (formerly Invitae), Labcorp
Classification: Pathogenic. Last evaluated: 2024-10-24. Review status: criteria provided, single submitter. Criteria: Invitae Variant Classification Sherloc (09022015). Collection method: clinical testing. Allele origin: germline.
Comment: This sequence change creates a premature translational stop signal (p.His123Ilefs*13) in the MOCS2B gene. It is expected to result in an absent or disrupted protein product. Loss-of-function variants in MOCS2B are known to be pathogenic (PMID: 21031595). This variant is not present in population databases (gnomAD no frequency). This variant has not been reported in the literature in individuals affected with MOCS2B-related conditions. ClinVar contains an entry for this variant (Variation ID: 2108181). For these reasons, this variant has been classified as Pathogenic.

Literature cited by the submitters: PubMed 21031595 (cited by Labcorp Genetics (formerly Invitae), Labcorp).